The following is an entry in ClinVar:

NM_177438.3(DICER1):c.2641C>G (p.Leu881Val)

Gene: DICER1 (dicer 1, ribonuclease III; minus strand). Cytogenetic location: 14q32.13.
Variant type: single nucleotide variant.
Coding change: c.2641C>G on transcript NM_177438.3 (MANE Select); coding-DNA position 2641, C replaced by G.
Protein change: p.Leu881Val; replaces leucine 881 with valine.
Molecular consequence: missense variant.
Genome position (GRCh38, 1-based): chr14:95,107,889, G>C on the plus strand (C>G on the coding strand, the complement: DICER1 is on the minus strand). VCF-style: chr14-95107889-G-C. GRCh37 (hg19) VCF-style: chr14-95574226-G-C.
Other names: c.2641C>G, p.Leu881Val (NM_001195573.1, NM_001271282.3, NM_001291628.2 and 1 more transcripts); short protein forms L881V.
Identifiers: ClinVar variation 642520 (VCV000642520.17), dbSNP rs1293281390, ClinGen allele CA390881134.

ClinVar aggregate classification (germline): Uncertain significance. Review status: criteria provided, multiple submitters, no conflicts (2 of 4 stars). 3 submissions from 3 submitters: Uncertain significance (3). Last evaluated 2025-02-05.

Conditions:
Hereditary cancer-predisposing syndrome. Also called: Neoplastic Syndromes, Hereditary; Hereditary Cancer Syndrome; Hereditary neoplastic syndrome; Tumor predisposition. Identifiers: Orphanet 140162, MedGen C0027672, MeSH D009386, MONDO:0015356.
Global developmental delay - lung cysts - overgrowth - Wilms tumor syndrome. Also called: GLOW Syndrome; GLOBAL DEVELOPMENTAL DELAY, LUNG CYSTS, OVERGROWTH, AND WILMS TUMOR. Identifiers: Orphanet 404476, MedGen C4748924, MONDO:0018445, OMIM 618272.
DICER1-related tumor predisposition. Also called: DICER1 syndrome; DICER1-related pleuropulmonary blastoma cancer predisposition syndrome. Identifiers: Orphanet 284343, MedGen C3839822, MONDO:0100216.

Allele frequency attached by ClinVar (database versions not stated): TOPMed below 0.00001; gnomAD 0.00001.

Submissions (3):

Labcorp Genetics (formerly Invitae), Labcorp
Classification: Uncertain significance for DICER1-related tumor predisposition. Last evaluated: 2025-02-05. Review status: criteria provided, single submitter. Criteria: Invitae Variant Classification Sherloc (09022015). Collection method: clinical testing. Allele origin: germline.
Comment: This sequence change replaces leucine, which is neutral and non-polar, with valine, which is neutral and non-polar, at codon 881 of the DICER1 protein (p.Leu881Val). This variant is not present in population databases (gnomAD no frequency). This variant has not been reported in the literature in individuals affected with DICER1-related conditions. ClinVar contains an entry for this variant (Variation ID: 642520). Invitae Evidence Modeling of protein sequence and biophysical properties (such as structural, functional, and spatial information, amino acid conservation, physicochemical variation, residue mobility, and thermodynamic stability) indicates that this missense variant is not expected to disrupt DICER1 protein function with a negative predictive value of 95%. In summary, the available evidence is currently insufficient to determine the role of this variant in disease. Therefore, it has been classified as a Variant of Uncertain Significance.

Baylor Genetics
Classification: Uncertain significance for Global developmental delay - lung cysts - overgrowth - Wilms tumor syndrome. Last evaluated: 2023-09-25. Review status: criteria provided, single submitter. Criteria: ACMG Guidelines, 2015. Collection method: clinical testing. Allele origin: unknown.

Ambry Genetics
Classification: Uncertain significance for Hereditary cancer-predisposing syndrome. Last evaluated: 2022-06-09. Review status: criteria provided, single submitter. Criteria: Ambry Variant Classification Scheme 2023. Collection method: clinical testing. Allele origin: germline.
Comment: The p.L881V variant (also known as c.2641C>G), located in coding exon 15 of the DICER1 gene, results from a C to G substitution at nucleotide position 2641. The leucine at codon 881 is replaced by valine, an amino acid with highly similar properties. This amino acid position is highly conserved in available vertebrate species. In addition, the in silico prediction for this alteration is inconclusive. Since supporting evidence is limited at this time, the clinical significance of this alteration remains unclear.